The following is an entry in ClinVar:

NM_001754.5(RUNX1):c.999_1010dup (p.Arg334_Pro337dup)

Gene: RUNX1 (RUNX family transcription factor 1; minus strand). Cytogenetic location: 21q22.12.
Variant type: Duplication.
Coding change: c.999_1010dup on transcript NM_001754.5 (MANE Select); coding-DNA positions 999 to 1010, 12 bases duplicated (GCGCCAGTTCCC).
Protein change: p.Arg334_Pro337dup.
Molecular consequence: inframe insertion.
Genome position (GRCh38, 1-based): chr21:34,792,568-34,792,579, GGGAACTGGCGC duplicated on the plus strand (GCGCCAGTTCCC on the coding strand, the reverse complement: RUNX1 is on the minus strand); duplicating any 12 consecutive bases within chr21:34,792,568-34,792,582 gives the same sequence; the c. name uses the placement nearest the transcript's 3' end. VCF-style (leftmost placement, unchanged base first): chr21-34792567-G-GGGGAACTGGCGC. GRCh37 (hg19) VCF-style: chr21-36164864-G-GGGGAACTGGCGC.
Other names: NM_001754.5(RUNX1):c.999_1010dup; p.Arg334_Pro337dup; c.918_929dup, p.Arg307_Pro310dup (NM_001001890.3).
Identifiers: ClinVar variation 1359458 (VCV001359458.9), dbSNP rs2145877966, ClinGen allele CA2573157363.

ClinVar aggregate classification (germline): Uncertain significance. Review status: reviewed by expert panel (3 of 4 stars). 2 submissions from 2 submitters: Uncertain significance (1). 1 of the submissions does not count toward it. Last evaluated 2024-07-11.

Conditions:
Hereditary thrombocytopenia and hematologic cancer predisposition syndrome. Identifiers: Orphanet 71290, MedGen CN281654, MONDO:0011071.
Hereditary thrombocytopenia and hematological cancer predisposition syndrome associated with RUNX1. Also called: PLATELET DISORDER, ASPIRIN-LIKE; RUNX1 Familial Platelet Disorder with Associated Myeloid Malignancies; Familial Platelet Disorder with Propensity to Acute Myelogenous Leukemia; Familial thrombocytopenia with propensity to acute myelogenous leukemia. Identifiers: Orphanet 71290, MedGen C1832388, MeSH C563324, MONDO:0100083, OMIM 601399.

Submissions (2):

ClinGen Myeloid Malignancy Variant Curation Expert Panel
Classification: Uncertain significance for Hereditary thrombocytopenia and hematologic cancer predisposition syndrome. Last evaluated: 2024-07-11. Review status: reviewed by expert panel. Criteria: ClinGen MyeloMalig ACMG Specifications v2. Collection method: curation. Allele origin: germline. Inheritance: Autosomal dominant inheritance.
Comment: NM_001754.5(RUNX1):c.999_1010dup (p.Pro337_Ala338insArgGlnPhePro) is an in-frame duplication. This variant is completely absent from all population databases with at least 20x coverage for RUNX1 (PM2_supporting). In summary, the clinical significance of this variant is uncertain due to insufficient evidence. ACMG/AMP criteria applied, as specified by the Myeloid Malignancy Variant Curation Expert Panel for RUNX1: PM2_supporting.

Labcorp Genetics (formerly Invitae), Labcorp
Classification: Uncertain significance for Hereditary thrombocytopenia and hematological cancer predisposition syndrome associated with RUNX1. Last evaluated: 2021-06-06. Review status: criteria provided, single submitter. Criteria: Invitae Variant Classification Sherloc (09022015). Collection method: clinical testing. Allele origin: germline. Not counted in ClinVar's aggregate classification.
Comment: In summary, the available evidence is currently insufficient to determine the role of this variant in disease. Therefore, it has been classified as a Variant of Uncertain Significance. Algorithms developed to predict the effect of sequence changes on RNA splicing suggest that this variant may create or strengthen a splice site, but this prediction has not been confirmed by published transcriptional studies. This variant has not been reported in the literature in individuals with RUNX1-related conditions. This variant is not present in population databases (ExAC no frequency). This variant, c.999_1010dup, results in the insertion of 4 amino acid(s) to the RUNX1 protein (p.Arg334_Pro337dup), but otherwise preserves the integrity of the reading frame.